The following is an entry in ClinVar:

NM_001365276.2(TNXB):c.2481C>A (p.Ser827Arg)

Gene: TNXB (tenascin XB; minus strand). Cytogenetic location: 6p21.33.
Variant type: single nucleotide variant.
Coding change: c.2481C>A on transcript NM_001365276.2 (MANE Select); coding-DNA position 2481, C replaced by A.
Protein change: p.Ser827Arg; replaces serine 827 with arginine.
Molecular consequence: missense variant.
Genome position (GRCh38, 1-based): chr6:32,089,257, G>T on the plus strand (C>A on the coding strand, the complement: TNXB is on the minus strand). VCF-style: chr6-32089257-G-T. GRCh37 (hg19) VCF-style: chr6-32057034-G-T.
Other names: c.2481C>A, p.Ser827Arg (NM_019105.8); short protein forms S827R.
Identifiers: ClinVar variation 1305486 (VCV001305486.2), dbSNP rs3134960, ClinGen allele CA3735472.

ClinVar aggregate classification (germline): Uncertain significance (1 of 4 stars; one submission).

Allele frequency attached by ClinVar (database versions not stated): gnomAD exomes below 0.00001 and 0.00001; ExAC 0.00002.
gnomAD v4.1: 4 of 1,606,506 alleles (0.00025%); highest among the groups gnomAD compares: African/African-American, 0.0013%; no homozygotes.

Submission:

GeneDx
Classification: Uncertain significance. Last evaluated: 2020-02-25. Review status: criteria provided, single submitter. Criteria: GeneDx Variant Classification Process June 2021. Collection method: clinical testing. Allele origin: germline. Affected: yes.
Comment: Has not been previously published as pathogenic or benign to our knowledge; Not observed at a significant frequency in large population cohorts (Lek et al., 2016); In silico analysis, which includes protein predictors and evolutionary conservation, supports a deleterious effect